The following is an entry in ClinVar:

ClinVar aggregate classification (germline): Pathogenic (1 of 4 stars; one submission).

Submission:

ISCA site 15
Classification: Pathogenic. Last evaluated: 2011-08-12. Review status: criteria provided, single submitter. Criteria: Kaminsky et al. (Genet Med. 2011). Collection method: clinical testing. Allele origin: maternal. Affected: yes. Observed: 1 variant allele.
Comment: Copy number variation identified through the course of routine clinical cytogenomic testing in postnatal populations. Clinical assertions have been curated as described in Kaminsky et al. 2011.

GRCh38/hg38 11p14.3(chr11:22115602-25375696)x1

Genes: ANO5 (anoctamin 5; plus strand), CCDC179 (coiled-coil domain containing 179; minus strand), FANCF (FA complementation group F; minus strand), GAS2 (growth arrest specific 2; plus strand), LINC01495 (long intergenic non-protein coding RNA 1495; minus strand) and 35 more. Cytogenetic location: 11p14.3.
Variant type: copy number loss.
Change: copy number 1 (one copy instead of two) of chr11:22,115,602-25,375,696 (3.26 Mb, GRCh38 coordinates, 1-based), cytogenetic band 11p14.3.
Identifiers: ClinVar variation 58857 (VCV000058857.1).